The following is an entry in ClinVar:

NM_015559.3(SETBP1):c.46G>A (p.Glu16Lys)

Gene: SETBP1 (SET binding protein 1; plus strand). Cytogenetic location: 18q12.3.
Variant type: single nucleotide variant.
Coding change: c.46G>A on transcript NM_015559.3 (MANE Select); coding-DNA position 46, G replaced by A.
Protein change: p.Glu16Lys; replaces glutamic acid 16 with lysine.
Molecular consequence: missense variant.
Genome position (GRCh38, 1-based): chr18:44,701,392, G>A. VCF-style: chr18-44701392-G-A. GRCh37 (hg19) VCF-style: chr18-42281357-G-A.
Other names: c.46G>A, p.Glu16Lys (LRG_1150t1, NM_001130110.2); short protein forms E16K.
Identifiers: ClinVar variation 159883 (VCV000159883.42), dbSNP rs587784381, ClinGen allele CA173411.

ClinVar aggregate classification (germline): Conflicting classifications of pathogenicity. Review status: criteria provided, conflicting classifications (1 of 4 stars). 5 submissions from 5 submitters: Uncertain significance (1); Benign (1); Likely benign (3). Last evaluated 2026-01-01.

Conditions:
Inborn genetic diseases. Identifiers: MedGen C0950123, MeSH D030342.
Schinzel-Giedion syndrome (SGS). Identifiers: Orphanet 798, MedGen C0265227, MONDO:0010010, OMIM 269150.

Allele frequency attached by ClinVar (database versions not stated): gnomAD 0.00016; ExAC 0.00053; gnomAD exomes 0.00010; TOPMed 0.00015.
gnomAD v4.1: 185 of 1,554,618 alleles (0.012%); highest among the groups gnomAD compares: Non-Finnish European, 0.015%; no homozygotes.

Submissions (5):

Labcorp Genetics (formerly Invitae), Labcorp
Classification: Benign. Last evaluated: 2026-01-01. Review status: criteria provided, single submitter. Criteria: Invitae Variant Classification Sherloc (09022015). Collection method: clinical testing. Allele origin: germline.

CeGaT Center for Human Genetics Tuebingen
Classification: Likely benign. Last evaluated: 2024-12-01. Review status: criteria provided, single submitter. Criteria: CeGaT Center For Human Genetics Tuebingen Variant Classification Criteria Version 2. Collection method: clinical testing. Allele origin: germline. Affected: yes. Observed: 2 variant alleles.
Comment: SETBP1: BP4

Blueprint Genetics
Classification: Likely benign. Last evaluated: 2024-11-18. Review status: criteria provided, single submitter. Criteria: ACMG Guidelines, 2015. Collection method: clinical testing. Allele origin: germline.

Ambry Genetics
Classification: Likely benign for Inborn genetic diseases. Last evaluated: 2023-04-26. Review status: criteria provided, single submitter. Criteria: Ambry Variant Classification Scheme 2023. Collection method: clinical testing. Allele origin: germline.

Genetic Services Laboratory, University of Chicago
Classification: Uncertain significance for Schinzel-Giedion midface retraction syndrome. Last evaluated: 2014-05-05. Review status: criteria provided, single submitter. Criteria: ACMG Guidelines, 2015. Collection method: clinical testing. Allele origin: germline. Inheritance: Autosomal dominant inheritance.